The following is an entry in ClinVar:

ClinVar aggregate classification (germline): Uncertain significance. Review status: criteria provided, multiple submitters, no conflicts (2 of 4 stars). 3 submissions from 3 submitters: Uncertain significance (3). Last evaluated 2025-02-16.

Conditions:
Long QT syndrome (LQTS). Identifiers: MedGen C0023976, MeSH D008133, MONDO:0002442. Disease mechanism: loss of function. Inheritance: Various modes of inheritance.

Allele frequency attached by ClinVar (database versions not stated): gnomAD exomes below 0.00001; TOPMed below 0.00001.
gnomAD v4.1: 7 of 1,614,088 alleles (0.00043%); highest among the groups gnomAD compares: Non-Finnish European, 0.00051%; no homozygotes.

Submissions (3):

Laboratory of Genetics, Children's Clinical University Hospital Latvia
Classification: Uncertain significance. Last evaluated: 2025-02-16. Review status: criteria provided, single submitter. Criteria: ACMG Guidelines, 2015. Collection method: clinical testing. Allele origin: germline. Affected: yes.

Labcorp Genetics (formerly Invitae), Labcorp
Classification: Uncertain significance for Long QT syndrome. Last evaluated: 2022-11-12. Review status: criteria provided, single submitter. Criteria: Invitae Variant Classification Sherloc (09022015). Collection method: clinical testing. Allele origin: germline.
Comment: This variant has not been reported in the literature in individuals affected with CACNA1C-related conditions. ClinVar contains an entry for this variant (Variation ID: 1019318). Advanced modeling of protein sequence and biophysical properties (such as structural, functional, and spatial information, amino acid conservation, physicochemical variation, residue mobility, and thermodynamic stability) performed at Invitae indicates that this missense variant is not expected to disrupt CACNA1C protein function. In summary, the available evidence is currently insufficient to determine the role of this variant in disease. Therefore, it has been classified as a Variant of Uncertain Significance. This variant is not present in population databases (gnomAD no frequency). This sequence change replaces valine, which is neutral and non-polar, with isoleucine, which is neutral and non-polar, at codon 1167 of the CACNA1C protein (p.Val1167Ile).

CeGaT Center for Human Genetics Tuebingen
Classification: Uncertain significance. Last evaluated: 2022-01-01. Review status: criteria provided, single submitter. Criteria: CeGaT Center For Human Genetics Tuebingen Variant Classification Criteria Version 2. Collection method: clinical testing. Allele origin: germline. Affected: yes. Observed: 1 variant allele.

NM_000719.7(CACNA1C):c.3499G>A (p.Val1167Ile)

Gene: CACNA1C (calcium voltage-gated channel subunit alpha1 C; plus strand). Cytogenetic location: 12p13.33.
Variant type: single nucleotide variant.
Coding change: c.3499G>A on transcript NM_000719.7 (MANE Select); coding-DNA position 3499, G replaced by A.
Protein change: p.Val1167Ile; replaces valine 1167 with isoleucine.
Molecular consequence: missense variant.
Genome position (GRCh38, 1-based): chr12:2,608,653, G>A. VCF-style: chr12-2608653-G-A. GRCh37 (hg19) VCF-style: chr12-2717819-G-A.
Other names: c.3559G>A, p.Val1187Ile (NM_001129827.2, NM_001129832.2, NM_199460.4); c.3499G>A, p.Val1167Ile (NM_001129829.2, NM_001129830.3, NM_001129831.2 and 15 more transcripts); c.3490G>A, p.Val1164Ile (NM_001129844.2); short protein forms V1164I, V1167I, V1187I.
Identifiers: ClinVar variation 1019318 (VCV001019318.42), dbSNP rs2076328331, ClinGen allele CA383375583.